The following is an entry in ClinVar:

ClinVar aggregate classification (germline): Uncertain significance (1 of 4 stars; one submission).

Conditions:
Peroxisome biogenesis disorder. Identifiers: Orphanet 79189, MedGen C1832200, MONDO:0019234. Disease mechanism: loss of function.

Submission:

Labcorp Genetics (formerly Invitae), Labcorp
Classification: Uncertain significance for Peroxisome biogenesis disorder. Last evaluated: 2022-11-01. Review status: criteria provided, single submitter. Criteria: Invitae Variant Classification Sherloc (09022015). Collection method: clinical testing. Allele origin: germline.
Comment: This sequence change replaces alanine, which is neutral and non-polar, with threonine, which is neutral and polar, at codon 106 of the PEX6 protein (p.Ala106Thr). This variant is not present in population databases (gnomAD no frequency). This variant has not been reported in the literature in individuals affected with PEX6-related conditions. ClinVar contains an entry for this variant (Variation ID: 1466979). Algorithms developed to predict the effect of missense changes on protein structure and function are either unavailable or do not agree on the potential impact of this missense change (SIFT: "Deleterious"; PolyPhen-2: "Probably Damaging"; Align-GVGD: "Class C0"). In summary, the available evidence is currently insufficient to determine the role of this variant in disease. Therefore, it has been classified as a Variant of Uncertain Significance.

NM_000287.4(PEX6):c.316G>A (p.Ala106Thr)

Gene: PEX6 (peroxisomal biogenesis factor 6; minus strand). Cytogenetic location: 6p21.1.
Variant type: single nucleotide variant.
Coding change: c.316G>A on transcript NM_000287.4 (MANE Select); coding-DNA position 316, G replaced by A.
Protein change: p.Ala106Thr; replaces alanine 106 with threonine.
Molecular consequence: missense variant. On other transcripts: non-coding transcript variant (1).
Genome position (GRCh38, 1-based): chr6:42,978,835, C>T on the plus strand (G>A on the coding strand, the complement: PEX6 is on the minus strand). VCF-style: chr6-42978835-C-T. GRCh37 (hg19) VCF-style: chr6-42946573-C-T.
Other names: c.316G>A, p.Ala106Thr (NM_001316313.2); short protein forms A106T.
Identifiers: ClinVar variation 1466979 (VCV001466979.5), dbSNP rs2150240338, ClinGen allele CA364167188.